The following is an entry in ClinVar:

NM_000092.5(COL4A4):c.2908C>G (p.Gln970Glu)

Gene: COL4A4 (collagen type IV alpha 4 chain; minus strand). Cytogenetic location: 2q36.3.
Variant type: single nucleotide variant.
Coding change: c.2908C>G on transcript NM_000092.5 (MANE Select); coding-DNA position 2908, C replaced by G.
Protein change: p.Gln970Glu; replaces glutamine 970 with glutamic acid.
Molecular consequence: missense variant.
Genome position (GRCh38, 1-based): chr2:227,052,365, G>C on the plus strand (C>G on the coding strand, the complement: COL4A4 is on the minus strand). VCF-style: chr2-227052365-G-C. GRCh37 (hg19) VCF-style: chr2-227917081-G-C.
Other names: short protein forms Q970E.
Identifiers: ClinVar variation 1308460 (VCV001308460.3), dbSNP rs372413045, ClinGen allele CA2144682.
Genomic context (GRCh38, chr2:227,052,365, plus strand): 5'-CTCTTTCTCCTGGGAATCCATCATCTCCAGGAGGTCCAGGTTCCCCAGGTGTTCCCTTTT[G>C]TGAAATGATAGCCATTTCTCCTTCATCTCCGGGAGGTCCTATGGCTCCTATGGATATTAA-3'
Protein context (NP_000083.3, residues 960-980): GDEGEMAIIS[Gln970Glu]KGTPGEPGPP

ClinVar aggregate classification (germline): Uncertain significance. Review status: criteria provided, multiple submitters, no conflicts (2 of 4 stars). 2 submissions from 2 submitters: Uncertain significance (2). Last evaluated 2022-05-23.

Conditions:
Autosomal recessive Alport syndrome (ATS2). Also called: COL4A4 Alport Syndrome and Thin Basement Membrane Nephropathy; Alport syndrome type 2; COL4A3-Related Nephropathy; ALPORT SYNDROME 2, AUTOSOMAL RECESSIVE. Identifiers: Orphanet 63, Orphanet 88919, MedGen C4746745, MONDO:0008762, OMIM 203780.
Benign familial hematuria. Also called: thin basement membrane disease. Identifiers: MedGen C0241908, MONDO:0957317.

Allele frequency attached by ClinVar (database versions not stated): gnomAD 0.00001 and 0.00002; TOPMed 0.00003; ESP Exome Variant Server 0.00008.
gnomAD v4.1: 27 of 1,613,272 alleles (0.0017%); highest among the groups gnomAD compares: Non-Finnish European, 0.002%; no homozygotes.

Submissions (2):

Fulgent Genetics
Classification: Uncertain significance for Hematuria, benign familial, 1; Autosomal recessive Alport syndrome. Last evaluated: 2022-05-23. Review status: criteria provided, single submitter. Criteria: ACMG Guidelines, 2015. Collection method: clinical testing. Allele origin: unknown.

GeneDx
Classification: Uncertain significance. Last evaluated: 2019-04-01. Review status: criteria provided, single submitter. Criteria: GeneDx Variant Classification Process June 2021. Collection method: clinical testing. Allele origin: germline. Affected: yes.
Comment: In silico analysis, which includes protein predictors and evolutionary conservation, supports that this variant does not alter protein structure/function; Has not been previously published as pathogenic or benign to our knowledge